The following is an entry in ClinVar:

ClinVar aggregate classification (germline): Uncertain significance. Review status: criteria provided, multiple submitters, no conflicts (2 of 4 stars). 2 submissions from 2 submitters: Uncertain significance (2). Last evaluated 2024-12-09.

Conditions:
Orofaciodigital syndrome I (OFD1). Also called: Oral-Facial-Digital Syndrome Type I; OFDS I; Papillon-Leage and Psaume Syndrome. Identifiers: Orphanet 2750, MedGen C1510460, MONDO:0010702, OMIM 311200.
Joubert syndrome. Also called: JOUBERT-BOLTSHAUSER SYNDROME; Familial aplasia of the vermis. Identifiers: Orphanet 475, MedGen C5979921, MONDO:0018772.

Allele frequency attached by ClinVar (database versions not stated): gnomAD exomes below 0.00001; gnomAD 0.00001; TOPMed 0.00001.
gnomAD v4.1: 6 of 1,201,701 alleles (0.0005%); highest among the groups gnomAD compares: East Asian, 0.003%; no homozygotes.

Submissions (2):

Labcorp Genetics (formerly Invitae), Labcorp
Classification: Uncertain significance for Orofaciodigital syndrome I; Joubert syndrome. Last evaluated: 2024-12-09. Review status: criteria provided, single submitter. Criteria: Invitae Variant Classification Sherloc (09022015). Collection method: clinical testing. Allele origin: germline.
Comment: This sequence change replaces arginine, which is basic and polar, with cysteine, which is neutral and slightly polar, at codon 190 of the OFD1 protein (p.Arg190Cys). This variant is not present in population databases (gnomAD no frequency). This variant has not been reported in the literature in individuals affected with OFD1-related conditions. ClinVar contains an entry for this variant (Variation ID: 1395090). Invitae Evidence Modeling of protein sequence and biophysical properties (such as structural, functional, and spatial information, amino acid conservation, physicochemical variation, residue mobility, and thermodynamic stability) indicates that this missense variant is not expected to disrupt OFD1 protein function with a negative predictive value of 80%. In summary, the available evidence is currently insufficient to determine the role of this variant in disease. Therefore, it has been classified as a Variant of Uncertain Significance.

Blueprint Genetics
Classification: Uncertain significance. Last evaluated: 2024-01-10. Review status: criteria provided, single submitter. Criteria: ACMG Guidelines, 2015. Collection method: clinical testing. Allele origin: germline.

NM_003611.3(OFD1):c.568C>T (p.Arg190Cys)

Gene: OFD1 (OFD1 centriole and centriolar satellite protein; plus strand). Cytogenetic location: Xp22.2.
Variant type: single nucleotide variant.
Coding change: c.568C>T on transcript NM_003611.3 (MANE Select); coding-DNA position 568, C replaced by T.
Protein change: p.Arg190Cys; replaces arginine 190 with cysteine.
Molecular consequence: missense variant.
Genome position (GRCh38, 1-based): chrX:13,746,369, C>T. VCF-style: chrX-13746369-C-T. GRCh37 (hg19) VCF-style: chrX-13764488-C-T.
Other names: c.568C>T, p.Arg190Cys (NM_001330209.2); c.148C>T, p.Arg50Cys (NM_001330210.2); short protein forms R190C, R50C.
Identifiers: ClinVar variation 1395090 (VCV001395090.7), dbSNP rs962377226, ClinGen allele CA326112284.
Genomic context (GRCh38, chrX:13,746,369, plus strand): 5'-TTTTTAATAGCTGAGAAGCTTCAGCTTATTGATGATCAGTTTGCAGATGCTTACCCTCAG[C>T]GTATCAAGTTCGAATCTTTAGAAATAAAGCTAAATGAGTATAAGAGAGAAATAGAAGAGC-3'
Protein context (NP_003602.1, residues 180-200): DDQFADAYPQ[Arg190Cys]IKFESLEIKL